The following is an entry in ClinVar:

ClinVar aggregate classification (germline): Uncertain significance (1 of 4 stars; one submission).

Conditions:
Inborn genetic diseases. Identifiers: MedGen C0950123, MeSH D030342.

Submission:

Ambry Genetics
Classification: Uncertain significance for Inborn genetic diseases. Last evaluated: 2023-11-06. Review status: criteria provided, single submitter. Criteria: Ambry Variant Classification Scheme 2023. Collection method: clinical testing. Allele origin: germline.
Comment: The p.T40A variant (also known as c.118A>G), located in coding exon 2 of the BUB1B gene, results from an A to G substitution at nucleotide position 118. The threonine at codon 40 is replaced by alanine, an amino acid with similar properties. This amino acid position is conserved. In addition, this alteration is predicted to be tolerated by in silico analysis. Since supporting evidence is limited at this time, the clinical significance of this alteration remains unclear.

NM_001211.6(BUB1B):c.118A>G (p.Thr40Ala)

Gene: BUB1B (BUB1 mitotic checkpoint serine/threonine kinase B; plus strand). Cytogenetic location: 15q15.1.
Variant type: single nucleotide variant.
Coding change: c.118A>G on transcript NM_001211.6 (MANE Select); coding-DNA position 118, A replaced by G.
Protein change: p.Thr40Ala; replaces threonine 40 with alanine.
Molecular consequence: missense variant.
Genome position (GRCh38, 1-based): chr15:40,165,135, A>G. VCF-style: chr15-40165135-A-G. GRCh37 (hg19) VCF-style: chr15-40457336-A-G.
Other names: short protein forms T40A.
Identifiers: ClinVar variation 1744424 (VCV001744424.2), dbSNP rs902578942, ClinGen allele CA268764737.